The following is an entry in ClinVar:

ClinVar aggregate classification (germline): Uncertain significance (1 of 4 stars; one submission).

Submission:

Ambry Genetics
Classification: Uncertain significance. Last evaluated: 2024-03-19. Review status: criteria provided, single submitter. Criteria: Ambry Variant Classification Scheme 2023. Collection method: clinical testing. Allele origin: germline.
Comment: The p.S176W variant (also known as c.527C>G), located in coding exon 1 of the TERF2IP gene, results from a C to G substitution at nucleotide position 527. The serine at codon 176 is replaced by tryptophan, an amino acid with highly dissimilar properties. This amino acid position is conserved. In addition, the in silico prediction for this alteration is inconclusive. Based on the available evidence, the clinical significance of this alteration remains unclear.

NM_018975.4(TERF2IP):c.527C>G (p.Ser176Trp)

Gene: TERF2IP (TERF2 interacting protein; plus strand). Cytogenetic location: 16q23.1.
Variant type: single nucleotide variant.
Coding change: c.527C>G on transcript NM_018975.4 (MANE Select); coding-DNA position 527, C replaced by G.
Protein change: p.Ser176Trp; replaces serine 176 with tryptophan.
Molecular consequence: missense variant. On other transcripts: non-coding transcript variant (1).
Genome position (GRCh38, 1-based): chr16:75,648,409, C>G. VCF-style: chr16-75648409-C-G. GRCh37 (hg19) VCF-style: chr16-75682307-C-G.
Other names: short protein forms S176W.
Identifiers: ClinVar variation 3325447 (VCV003325447.1).